The following is an entry in ClinVar:

ClinVar aggregate classification (germline): Benign/Likely benign. Review status: criteria provided, multiple submitters, no conflicts (2 of 4 stars). 10 submissions from 9 submitters: Benign (2); Likely benign (4). 4 of the submissions do not count toward it. Last evaluated 2026-02-04.

Conditions:
Achromatopsia. Also called: Rod monochromatism. Identifiers: Orphanet 49382, MedGen C0152200, MONDO:0018852, HP:0011516.
Severe early-childhood-onset retinal dystrophy (STGD1). Also called: MACULAR DYSTROPHY WITH FLECKS, TYPE 1; STGD; Stargardt disease 1; Stargardt macular dystrophy; Juvenile onset macular degeneration. Identifiers: Orphanet 364055, Orphanet 827, MedGen C1855465, MeSH D000080362, MONDO:0009549, OMIM 248200.
Achromatopsia 3 (ACHM3). Also called: ACHROMATOPSIA WITH MYOPIA; PINGELAPESE BLINDNESS; TOTAL COLORBLINDNESS WITH MYOPIA; ROD MONOCHROMACY 1; ROD MONOCHROMATISM 1. Identifiers: Orphanet 49382, MedGen C1849792, MONDO:0009875, OMIM 262300.

Allele frequency attached by ClinVar (database versions not stated): TOPMed 0.01515; gnomAD 0.01706 and 0.01728; ESP Exome Variant Server 0.01745; gnomAD exomes 0.02200 and 0.01846; 1000 Genomes Project 0.00659; 1000 Genomes Project 30x 0.00750; ExAC 0.01814.
gnomAD v4.1: 34,701 of 1,614,020 alleles (2.1%); highest among the groups gnomAD compares: Non-Finnish European, 2.4%; 471 homozygotes.

Submissions (10):

Labcorp Genetics (formerly Invitae), Labcorp
Classification: Benign. Last evaluated: 2026-02-04. Review status: criteria provided, single submitter. Criteria: Invitae Variant Classification Sherloc (09022015). Collection method: clinical testing. Allele origin: germline.

GeneDx
Classification: Likely benign. Last evaluated: 2018-09-28. Review status: criteria provided, single submitter. Criteria: GeneDx Variant Classification Process June 2021. Collection method: clinical testing. Allele origin: germline. Affected: yes.

Illumina Laboratory Services, Illumina
Classification: Likely benign for Severe early-childhood-onset retinal dystrophy. Last evaluated: 2018-01-13. Review status: criteria provided, single submitter. Criteria: ICSL Variant Classification Criteria 13 December 2019. Collection method: clinical testing. Allele origin: germline.
Comment: This variant was observed in the ICSL laboratory as part of a predisposition screen in an ostensibly healthy population. It had not been previously curated by ICSL or reported in the Human Gene Mutation Database (HGMD: prior to June 1st, 2018), and was therefore a candidate for classification through an automated scoring system. Utilizing variant allele frequency, disease prevalence and penetrance estimates, and inheritance mode, an automated score was calculated to assess if this variant is too frequent to cause the disease. Based on the score and internal cut-off values, a variant classified as likely benign is not then subjected to further curation. The score for this variant resulted in a classification of likely benign for this disease.

Illumina Laboratory Services, Illumina
Classification: Likely benign for Achromatopsia 3. Last evaluated: 2018-01-13. Review status: criteria provided, single submitter. Criteria: ICSL Variant Classification Criteria 13 December 2019. Collection method: clinical testing. Allele origin: germline.
Comment: the same text as in the submission from Illumina Laboratory Services, Illumina above.

Breakthrough Genomics
Classification: Likely benign. Review status: criteria provided, single submitter. Criteria: ACMG Guidelines, 2015. Collection method: not provided. Allele origin: germline. Inheritance: Autosomal recessive inheritance. Affected: yes.

PreventionGenetics, part of Exact Sciences
Classification: Benign. Review status: criteria provided, single submitter. Criteria: ACMG Guidelines, 2015. Collection method: clinical testing. Allele origin: germline.

Natera, Inc.
Classification: Benign for Achromatopsia. Last evaluated: 2019-09-09. Review status: no assertion criteria provided. Collection method: clinical testing. Allele origin: germline. Not counted in ClinVar's aggregate classification.

Clinical Genetics DNA and cytogenetics Diagnostics Lab, Erasmus MC, Erasmus Medical Center
Classification: Benign. Review status: no assertion criteria provided. Collection method: clinical testing. Allele origin: germline. Affected: yes. Study: VKGL Data-share Consensus. Not counted in ClinVar's aggregate classification.

Joint Genome Diagnostic Labs from Nijmegen and Maastricht, Radboudumc and MUMC+
Classification: Benign. Review status: no assertion criteria provided. Collection method: clinical testing. Allele origin: germline. Affected: yes. Study: VKGL Data-share Consensus. Not counted in ClinVar's aggregate classification.

NEI Ophthalmic Genomics Laboratory, National Institutes of Health
No classification provided. Review status: no classification provided. Collection method: not provided. Allele origin: not provided. Not counted in ClinVar's aggregate classification.

NM_019098.5(CNGB3):c.80A>G (p.Asn27Ser)

Gene: CNGB3 (cyclic nucleotide gated channel subunit beta 3; minus strand). Cytogenetic location: 8q21.3.
Variant type: single nucleotide variant.
Coding change: c.80A>G on transcript NM_019098.5 (MANE Select); coding-DNA position 80, A replaced by G.
Protein change: p.Asn27Ser; replaces asparagine 27 with serine.
Molecular consequence: missense variant.
Genome position (GRCh38, 1-based): chr8:86,743,548, T>C on the plus strand (A>G on the coding strand, the complement: CNGB3 is on the minus strand). VCF-style: chr8-86743548-T-C. GRCh37 (hg19) VCF-style: chr8-87755776-T-C.
Other names: short protein forms N27S.
Identifiers: ClinVar variation 100588 (VCV000100588.22), dbSNP rs35807406, ClinGen allele CA228926.